The following is an entry in ClinVar:

ClinVar aggregate classification (germline): Uncertain significance. Review status: criteria provided, multiple submitters, no conflicts (2 of 4 stars). 2 submissions from 2 submitters: Uncertain significance (2). Last evaluated 2022-10-11.

Conditions:
Immunodeficiency 78 with autoimmunity and developmental delay. Also called: TPP2 deficiency. Identifiers: MedGen C5543159, MONDO:0030971, OMIM 619220.
Evans syndrome, immunodeficiency, and premature immunosenescence associated with tripeptidyl-peptidase II deficiency. Identifiers: MedGen CN231723. Disease mechanism: loss of function.

Allele frequency attached by ClinVar (database versions not stated): gnomAD 0.00001 and 0.00002; ExAC 0.00005; gnomAD exomes 0.00005; TOPMed 0.00005.
gnomAD v4.1: 80 of 1,590,710 alleles (0.005%); highest among the groups gnomAD compares: Middle Eastern, 0.1%; no homozygotes.

Submissions (2):

Labcorp Genetics (formerly Invitae), Labcorp
Classification: Uncertain significance for Evans syndrome, immunodeficiency, and premature immunosenescence associated with tripeptidyl-peptidase II deficiency. Last evaluated: 2022-10-11. Review status: criteria provided, single submitter. Criteria: Invitae Variant Classification Sherloc (09022015). Collection method: clinical testing. Allele origin: germline.
Comment: This sequence change replaces threonine, which is neutral and polar, with isoleucine, which is neutral and non-polar, at codon 676 of the TPP2 protein (p.Thr676Ile). This variant is present in population databases (rs760347832, gnomAD 0.006%). This missense change has been observed in individual(s) with tripeptidyl peptidase II deficiency (PMID: 33586135). ClinVar contains an entry for this variant (Variation ID: 847645). Algorithms developed to predict the effect of missense changes on protein structure and function are either unavailable or do not agree on the potential impact of this missense change (SIFT: "Tolerated"; PolyPhen-2: "Possibly Damaging"; Align-GVGD: "Class C15"). In summary, the available evidence is currently insufficient to determine the role of this variant in disease. Therefore, it has been classified as a Variant of Uncertain Significance.

Fulgent Genetics
Classification: Uncertain significance for Immunodeficiency 78 with autoimmunity and developmental delay. Last evaluated: 2022-03-02. Review status: criteria provided, single submitter. Criteria: ACMG Guidelines, 2015. Collection method: clinical testing. Allele origin: unknown.

Literature cited by the submitters: PubMed 33586135 (cited by Labcorp Genetics (formerly Invitae), Labcorp).

NM_001330588.2(TPP2):c.2027C>T (p.Thr676Ile)

Gene: TPP2 (tripeptidyl peptidase 2; plus strand). Cytogenetic location: 13q33.1.
Variant type: single nucleotide variant.
Coding change: c.2027C>T on transcript NM_001330588.2 (MANE Select); coding-DNA position 2027, C replaced by T.
Protein change: p.Thr676Ile; replaces threonine 676 with isoleucine.
Molecular consequence: missense variant. On other transcripts: non-coding transcript variant (1).
Genome position (GRCh38, 1-based): chr13:102,643,228, C>T. VCF-style: chr13-102643228-C-T. GRCh37 (hg19) VCF-style: chr13-103295578-C-T.
Other names: c.2027C>T, p.Thr676Ile (NM_001367947.1, NM_003291.4); short protein forms T676I.
Identifiers: ClinVar variation 847645 (VCV000847645.6), dbSNP rs760347832, ClinGen allele CA7037911.